The following is an entry in ClinVar:

ClinVar aggregate classification (germline): Likely benign (1 of 4 stars; one submission).

Conditions:
RETREG1-related disorder. Also called: RETREG1-related condition.

gnomAD v4.1: 14 of 1,501,354 alleles (0.00093%); highest among the groups gnomAD compares: East Asian, 0.0027%; no homozygotes.

Submission:

PreventionGenetics, part of Exact Sciences
Classification: Likely benign for RETREG1-related condition. Last evaluated: 2025-05-28. Review status: criteria provided, single submitter. Criteria: ACMG Guidelines, 2015. Collection method: clinical testing. Allele origin: germline.
Comment: This variant is classified as likely benign based on ACMG/AMP sequence variant interpretation guidelines (Richards et al. 2015 PMID: 25741868, with internal and published modifications).

NM_001034850.3(RETREG1):c.102C>T (p.Pro34=)

Genes: RETREG1 (reticulophagy regulator 1; minus strand), RETREG1-AS1 (RETREG1 antisense RNA 1; plus strand), LOC129993734 (ATAC-STARR-seq lymphoblastoid silent region 15947; plus strand). Cytogenetic location: 5p15.1.
Variant type: single nucleotide variant.
Coding change: c.102C>T on transcript NM_001034850.3 (MANE Select); coding-DNA position 102, C replaced by T.
Protein change: p.Pro34=; no amino-acid change (proline 34 retained).
Molecular consequence: synonymous variant.
Genome position (GRCh38, 1-based): chr5:16,616,870, G>A on the plus strand (C>T on the coding strand, the complement: RETREG1 is on the minus strand). VCF-style: chr5-16616870-G-A. GRCh37 (hg19) VCF-style: chr5-16616979-G-A.
Identifiers: ClinVar variation 4983453 (VCV004983453.1).